The following is an entry in ClinVar:

ClinVar aggregate classification (germline): Benign/Likely benign. Review status: criteria provided, multiple submitters, no conflicts (2 of 4 stars). 4 submissions from 4 submitters: Benign (1); Likely benign (3). Last evaluated 2025-07-30.

Conditions:
Tuberous sclerosis syndrome (TSC). Also called: Tuberous Sclerosis Complex; Tuberous sclerosis. Identifiers: Orphanet 805, MedGen C0041341, MONDO:0001734.
Hereditary cancer-predisposing syndrome. Also called: Neoplastic Syndromes, Hereditary; Tumor predisposition; Hereditary Cancer Syndrome; Hereditary neoplastic syndrome. Identifiers: Orphanet 140162, MedGen C0027672, MeSH D009386, MONDO:0015356.
Tuberous sclerosis 2 (TSC2). Identifiers: Orphanet 805, MedGen C1860707, MONDO:0013199, OMIM 613254.

Allele frequency attached by ClinVar (database versions not stated): gnomAD exomes below 0.00001.
gnomAD v4.1: 2 of 1,613,850 alleles (0.00012%); highest among the groups gnomAD compares: Non-Finnish European, 0.00017%; no homozygotes.

Submissions (4):

Labcorp Genetics (formerly Invitae), Labcorp
Classification: Likely benign for Tuberous sclerosis 2. Last evaluated: 2025-07-30. Review status: criteria provided, single submitter. Criteria: Invitae Variant Classification Sherloc (09022015). Collection method: clinical testing. Allele origin: germline.

Color Diagnostics, LLC DBA Color Health
Classification: Likely benign for Tuberous sclerosis syndrome. Last evaluated: 2025-06-17. Review status: criteria provided, single submitter. Criteria: ACMG Guidelines, 2015. Collection method: clinical testing. Allele origin: germline.

Myriad Genetics, Inc.
Classification: Benign for Tuberous sclerosis 2. Last evaluated: 2025-05-02. Review status: criteria provided, single submitter. Criteria: Myriad Autosomal Dominant, Autosomal Recessive and X-Linked Classification Criteria (2023). Collection method: clinical testing. Allele origin: unknown.
Comment: This variant is considered benign. This variant is a silent/synonymous amino acid change and it is not expected to impact splicing.

Ambry Genetics
Classification: Likely benign for Hereditary cancer-predisposing syndrome. Last evaluated: 2022-10-20. Review status: criteria provided, single submitter. Criteria: Ambry Variant Classification Scheme 2023. Collection method: clinical testing. Allele origin: germline.

NM_000548.5(TSC2):c.216A>G (p.Lys72=)

Gene: TSC2 (TSC complex subunit 2; plus strand). Cytogenetic location: 16p13.3.
Variant type: single nucleotide variant.
Coding change: c.216A>G on transcript NM_000548.5 (MANE Select); coding-DNA position 216, A replaced by G.
Protein change: p.Lys72=; no amino-acid change (lysine 72 retained).
Molecular consequence: synonymous variant. On other transcripts: 5 prime UTR variant (1).
Genome position (GRCh38, 1-based): chr16:2,050,477, A>G. VCF-style: chr16-2050477-A-G. GRCh37 (hg19) VCF-style: chr16-2100478-A-G.
Other names: c.216A>G, p.Lys72= (NM_001077183.3, NM_001114382.3, NM_001318827.2 and 4 more transcripts); c.69A>G, p.Lys23= (NM_001318829.2); c.-11A>G (NM_001318831.2); c.249A>G, p.Lys83= (NM_001318832.2).
Identifiers: ClinVar variation 1127511 (VCV001127511.13), dbSNP rs1201047547, ClinGen allele CA492954930.